The following is an entry in ClinVar:

NM_000203.5(IDUA):c.1318_1326delinsTATA (p.Ile440fs)

Gene: IDUA (alpha-L-iduronidase; plus strand). Cytogenetic location: 4p16.3.
Variant type: Indel.
Coding change: c.1318_1326delinsTATA on transcript NM_000203.5 (MANE Select); coding-DNA positions 1318 to 1326, ATCTACGCG replaced by TATA.
Protein change: p.Ile440fs; shifts the reading frame from isoleucine 440.
Molecular consequence: frameshift variant. On other transcripts: non-coding transcript variant (1).
Genome position (GRCh38, 1-based): chr4:1,002,860-1,002,868, ATCTACGCG replaced by TATA. VCF-style: chr4-1002860-ATCTACGCG-TATA. GRCh37 (hg19) VCF-style: chr4-996648-ATCTACGCG-TATA.
Other names: c.922_930delinsTATA, p.Ile308fs (NM_001363576.1); short protein forms I308fs, I440fs.
Identifiers: ClinVar variation 5011350 (VCV005011350.1).
Genomic context (GRCh38, chr4:1,002,860, plus strand): 5'-GTCCTGGCCAGCGCCCACCGCCCCCAGGGCCCGGCCGACGCCTGGCGCGCCGCGGTGCTG[ATCTACGCG>TATA]AGCGACGACACCCGCGCCCACCCCAACCGCAGCGTCGCGGTGACCCTGCGGCTGCGCGGG-3'

ClinVar aggregate classification (germline): Pathogenic (1 of 4 stars; one submission).

Conditions:
Mucopolysaccharidosis type 1. Also called: IDUA deficiency; MPS I; Mucopolysaccharidosis Type I. Identifiers: Orphanet 579, MedGen C0023786, MONDO:0001586.

Submission:

Myriad Genetics, Inc.
Classification: Pathogenic for Mucopolysaccharidosis type 1. Last evaluated: 2023-08-14. Review status: criteria provided, single submitter. Criteria: Myriad Autosomal Dominant, Autosomal Recessive and X-Linked Classification Criteria (2023). Collection method: clinical testing. Allele origin: unknown.
Comment: NM_000203.3(IDUA):c.1318_1326del9ins4(I440Yfs*67) is expected to be pathogenic in the context of mucopolysaccharidosis type I. This variant is predicted to lead to an abnormal or absent protein product due to the creation of a premature termination codon in IDUA, a gene where loss-of-function variants are known to be pathogenic. Please note: this variant was assessed in the context of healthy population screening.